The following is an entry in ClinVar:

ClinVar aggregate classification (germline): Likely benign. Review status: criteria provided, multiple submitters, no conflicts (2 of 4 stars). 2 submissions from 2 submitters: Likely benign (2). Last evaluated 2025-05-01.

Submissions (2):

CeGaT Center for Human Genetics Tuebingen
Classification: Likely benign. Last evaluated: 2025-05-01. Review status: criteria provided, single submitter. Criteria: CeGaT Center For Human Genetics Tuebingen Variant Classification Criteria Version 2. Collection method: clinical testing. Allele origin: germline. Affected: yes. Observed: 1 variant allele.
Comment: KIF22: BP4

Labcorp Genetics (formerly Invitae), Labcorp
Classification: Likely benign. Last evaluated: 2020-10-28. Review status: criteria provided, single submitter. Criteria: Invitae Variant Classification Sherloc (09022015). Collection method: clinical testing. Allele origin: germline.

NM_007317.3(KIF22):c.395-6del

Gene: KIF22 (kinesin family member 22; plus strand). Cytogenetic location: 16p11.2.
Variant type: Deletion.
Coding change: c.395-6del on transcript NM_007317.3 (MANE Select); 6 bases into the intron before coding-DNA position 395, one base deleted (T; older notation c.395-6delT).
Molecular consequence: intron variant.
Genome position (GRCh38, 1-based): chr16:29,798,587, T deleted; the last of 2 consecutive T bases (chr16:29,798,586-29,798,587); deleting either gives the same sequence. VCF-style (leftmost placement, unchanged base first): chr16-29798585-CT-C. GRCh37 (hg19) VCF-style: chr16-29809906-CT-C.
Other names: c.191-6del (NM_001256269.2, NM_001256270.1).
Identifiers: ClinVar variation 1152726 (VCV001152726.19), dbSNP rs750783800, ClinGen allele CA7992984.